The following is an entry in ClinVar:

ClinVar aggregate classification (germline): Uncertain significance (1 of 4 stars; one submission).

Allele frequency attached by ClinVar (database versions not stated): gnomAD 0.00001; gnomAD exomes 0.00001; TOPMed 0.00003.
gnomAD v4.1: 5 of 1,576,306 alleles (0.00032%); highest among the groups gnomAD compares: Admixed American, 0.0083%; no homozygotes.

Submission:

Labcorp Genetics (formerly Invitae), Labcorp
Classification: Uncertain significance. Last evaluated: 2022-02-24. Review status: criteria provided, single submitter. Criteria: Invitae Variant Classification Sherloc (09022015). Collection method: clinical testing. Allele origin: germline.
Comment: This sequence change falls in intron 2 of the NDUFV2 gene. It does not directly change the encoded amino acid sequence of the NDUFV2 protein. It affects a nucleotide within the consensus splice site. This variant is present in population databases (no rsID available, gnomAD 0.009%). This variant has not been reported in the literature in individuals affected with NDUFV2-related conditions. Variants that disrupt the consensus splice site are a relatively common cause of aberrant splicing (PMID: 17576681, 9536098). Algorithms developed to predict the effect of sequence changes on RNA splicing suggest that this variant may disrupt the consensus splice site. In summary, the available evidence is currently insufficient to determine the role of this variant in disease. Therefore, it has been classified as a Variant of Uncertain Significance.

Literature cited by the submitters: PubMed 17576681; PubMed 9536098.

NM_021074.5(NDUFV2):c.120+5G>C

Gene: NDUFV2 (NADH:ubiquinone oxidoreductase core subunit V2; plus strand). Cytogenetic location: 18p11.22.
Variant type: single nucleotide variant.
Coding change: c.120+5G>C on transcript NM_021074.5 (MANE Select); 5 bases into the intron after coding-DNA position 120, G replaced by C.
Molecular consequence: intron variant.
Genome position (GRCh38, 1-based): chr18:9,117,908, G>C. VCF-style: chr18-9117908-G-C. GRCh37 (hg19) VCF-style: chr18-9117906-G-C.
Identifiers: ClinVar variation 2150299 (VCV002150299.4), dbSNP rs1351973119, ClinGen allele CA628407637.
Genomic context (GRCh38, chr18:9,117,908, plus strand): 5'-TAAGGAATTTGCATAAGACAGTTATGCAAAATGGAGCTGGAGGAGCTTTATTTGTGGTAA[G>C]TAATTACTTAGATTTCTTTGGAAAGAAAAGACTTGGAAATTGGGGTAAATCCATTGTAAA-3'